The following is an entry in ClinVar:

ClinVar aggregate classification (germline): Pathogenic (1 of 4 stars; one submission).

Conditions:
Jeune thoracic dystrophy. Also called: Short-rib thoracic dysplasia; Jeune syndrome; Infantile thoracic dystrophy; Thoracic pelvic phalangeal dystrophy; Jeune's syndrome; Chondroectodermal dysplasia-like syndrome. Identifiers: Orphanet 474, MedGen C0265275, MONDO:0018770.
Nephronophthisis. Also called: Juvenile Nephronophthisis. Identifiers: Orphanet 655, MedGen C0687120, MONDO:0019005, HP:0000090.

gnomAD v4.1: 1 of 1,614,154 alleles (0.000062%); highest among the groups gnomAD compares: South Asian, 0.0011%; no homozygotes.

Submission:

Labcorp Genetics (formerly Invitae), Labcorp
Classification: Pathogenic for Jeune thoracic dystrophy; Nephronophthisis. Last evaluated: 2023-08-04. Review status: criteria provided, single submitter. Criteria: Invitae Variant Classification Sherloc (09022015). Collection method: clinical testing. Allele origin: germline.
Comment: This sequence change creates a premature translational stop signal (p.Tyr525*) in the TTC21B gene. It is expected to result in an absent or disrupted protein product. Loss-of-function variants in TTC21B are known to be pathogenic (PMID: 18327258, 21068128, 21258341, 23559409, 24876116, 25492405, 27491411, 29068549). This variant is not present in population databases (gnomAD no frequency). This variant has not been reported in the literature in individuals affected with TTC21B-related conditions. ClinVar contains an entry for this variant (Variation ID: 1436713). For these reasons, this variant has been classified as Pathogenic.

Literature cited by the submitters: PubMed 18327258; PubMed 21068128; PubMed 21258341; PubMed 23559409; PubMed 24876116; PubMed 25492405; PubMed 27491411; PubMed 29068549.

NM_024753.5(TTC21B):c.1575T>G (p.Tyr525Ter)

Gene: TTC21B (tetratricopeptide repeat domain 21B; minus strand). Cytogenetic location: 2q24.3.
Variant type: single nucleotide variant.
Coding change: c.1575T>G on transcript NM_024753.5 (MANE Select); coding-DNA position 1575, T replaced by G.
Protein change: p.Tyr525Ter; replaces tyrosine 525 with a stop codon.
Molecular consequence: nonsense.
Genome position (GRCh38, 1-based): chr2:165,919,375, A>C on the plus strand (T>G on the coding strand, the complement: TTC21B is on the minus strand). VCF-style: chr2-165919375-A-C. GRCh37 (hg19) VCF-style: chr2-166775885-A-C.
Other names: short protein forms Y525*.
Identifiers: ClinVar variation 1436713 (VCV001436713.6), dbSNP rs199559023, ClinGen allele CA349061050.